The following is an entry in ClinVar:

NM_015836.4(WARS2):c.348+3C>T

Gene: WARS2 (tryptophanyl tRNA synthetase 2, mitochondrial; minus strand). Cytogenetic location: 1p12.
Variant type: single nucleotide variant.
Coding change: c.348+3C>T on transcript NM_015836.4 (MANE Select); 3 bases into the intron after coding-DNA position 348, C replaced by T.
Molecular consequence: intron variant.
Genome position (GRCh38, 1-based): chr1:119,076,347, G>A on the plus strand (C>T on the coding strand, the complement: WARS2 is on the minus strand). VCF-style: chr1-119076347-G-A. GRCh37 (hg19) VCF-style: chr1-119618970-G-A.
Other names: c.348+3C>T (NM_201263.2, NM_001378231.1); c.91-30685C>T (NM_001378229.1); c.177+174C>T (NM_001378228.1); c.279+3C>T (NM_001378226.1, NM_001378227.1); c.66+3C>T (NM_001378230.1).
Identifiers: ClinVar variation 1029412 (VCV001029412.7), dbSNP rs200060157, ClinGen allele CA1035357.
Genomic context (GRCh38, chr1:119,076,347, plus strand): 5'-AACATTTTTTCCTCAAATAATCTACACATAAGAGTTTTCTCAGTTCTAATCTGAGAAGCT[G>A]ACCTGAGATTGTTGGAAAAGGATGCTTTTTTCCGGGTTTATGCCACAGGCAAGAAGAACA-3'

ClinVar aggregate classification (germline): Uncertain significance. Review status: criteria provided, multiple submitters, no conflicts (2 of 4 stars). 5 submissions from 5 submitters: Uncertain significance (5). Last evaluated 2026-06-01.

Conditions:
Inborn genetic diseases. Identifiers: MedGen C0950123, MeSH D030342.
Neurodevelopmental disorder, mitochondrial, with abnormal movements and lactic acidosis, with or without seizures. Identifiers: Orphanet 572798, MedGen C4540192, MONDO:0060578, OMIM 617710.

Allele frequency attached by ClinVar (database versions not stated): ExAC 0.00007; gnomAD exomes 0.00019 and 0.00048; TOPMed 0.00019; 1000 Genomes Project 0.00020; gnomAD 0.00023 and 0.00024; 1000 Genomes Project 30x 0.00031.
gnomAD v4.1: 719 of 1,614,010 alleles (0.045%); highest among the groups gnomAD compares: Non-Finnish European, 0.059%; 1 homozygote.

Submissions (5):

CeGaT Center for Human Genetics Tuebingen
Classification: Uncertain significance. Last evaluated: 2026-06-01. Review status: criteria provided, single submitter. Criteria: CeGaT Center For Human Genetics Tuebingen Variant Classification Criteria Version 2. Collection method: clinical testing. Allele origin: germline. Affected: yes. Observed: 1 variant allele.
Comment: WARS2: PM2, BP4

Labcorp Genetics (formerly Invitae), Labcorp
Classification: Uncertain significance. Last evaluated: 2022-06-08. Review status: criteria provided, single submitter. Criteria: Invitae Variant Classification Sherloc (09022015). Collection method: clinical testing. Allele origin: germline.
Comment: This sequence change falls in intron 2 of the WARS2 gene. It does not directly change the encoded amino acid sequence of the WARS2 protein. It affects a nucleotide within the consensus splice site. This variant is present in population databases (rs200060157, gnomAD 0.04%). This variant has not been reported in the literature in individuals affected with WARS2-related conditions. ClinVar contains an entry for this variant (Variation ID: 1029412). Variants that disrupt the consensus splice site are a relatively common cause of aberrant splicing (PMID: 17576681, 9536098). Algorithms developed to predict the effect of sequence changes on RNA splicing suggest that this variant is not likely to affect RNA splicing. In summary, the available evidence is currently insufficient to determine the role of this variant in disease. Therefore, it has been classified as a Variant of Uncertain Significance.

Ambry Genetics
Classification: Uncertain significance for Inborn genetic diseases. Last evaluated: 2021-08-20. Review status: criteria provided, single submitter. Criteria: Ambry Variant Classification Scheme 2023. Collection method: clinical testing. Allele origin: germline.
Comment: The c.348+3C>T intronic alteration consists of a C to T substitution 3 nucleotides after exon 2 of the WARS2 gene. Based on insufficient or conflicting evidence, the clinical significance of this alteration remains unclear.

Victorian Clinical Genetics Services, Murdoch Childrens Research Institute
Classification: Uncertain significance for Neurodevelopmental disorder, mitochondrial, with abnormal movements and lactic acidosis, with or without seizures. Last evaluated: 2021-05-06. Review status: criteria provided, single submitter. Criteria: ACMG Guidelines, 2015. Collection method: clinical testing. Allele origin: germline. Inheritance: Autosomal recessive inheritance. Affected: yes.
Comment: Based on the classification scheme VCGS_Germline_v1.3.4, this variant is classified as 3C-VUS. Following criteria are met: 0102 - Loss of function is a known mechanism of disease in this gene and is associated with neurodevelopmental disorder (MIM#617710). (I) 0106 - This gene is associated with autosomal recessive disease. (I) 0212 - Non-canonical splice site variant without proven consequence on splicing (no functional evidence available). (SP) 0251 - This variant is heterozygous. (I) 0304 - Variant is present in gnomAD (v2) <0.01 for a recessive condition (54 heterozygote, 0 homozygotes). (SP) 0506 - Abnormal splicing is not predicted and nucleotide is poorly conserved. (SB) 0705 - No comparable non-canonical splice site variants have previous evidence for pathogenicity. (I) 0807 - This variant has no previous evidence of pathogenicity. (I) 0905 - No published segregation evidence has been identified for this variant. (I) 1007 - No published functional evidence has been identified for this variant. (I) 1208 - Inheritance information for this variant is not currently available in this individual. (I) Legend: (SP) - Supporting pathogenic, (I) - Information, (SB) - Supporting benign

Baylor Genetics
Classification: Uncertain significance for Neurodevelopmental disorder, mitochondrial, with abnormal movements and lactic acidosis, with or without seizures. Last evaluated: 2019-03-29. Review status: criteria provided, single submitter. Criteria: ACMG Guidelines, 2015. Collection method: clinical testing. Allele origin: unknown. Affected: yes.
Comment: This variant was determined to be of uncertain significance according to ACMG Guidelines, 2015 [PMID:25741868].

Literature cited by the submitters: PubMed 17576681 (cited by Labcorp Genetics (formerly Invitae), Labcorp); PubMed 9536098 (cited by Labcorp Genetics (formerly Invitae), Labcorp).